The following is an entry in ClinVar:

NM_032861.4(SERAC1):c.711A>G (p.Glu237=)

Gene: SERAC1 (serine active site containing 1; minus strand). Cytogenetic location: 6q25.3.
Variant type: single nucleotide variant.
Coding change: c.711A>G on transcript NM_032861.4 (MANE Select); coding-DNA position 711, A replaced by G.
Protein change: p.Glu237=; no amino-acid change (glutamic acid 237 retained).
Molecular consequence: synonymous variant. On other transcripts: non-coding transcript variant (1).
Genome position (GRCh38, 1-based): chr6:158,143,083, T>C on the plus strand (A>G on the coding strand, the complement: SERAC1 is on the minus strand). VCF-style: chr6-158143083-T-C. GRCh37 (hg19) VCF-style: chr6-158564115-T-C.
Identifiers: ClinVar variation 509834 (VCV000509834.5), dbSNP rs144125721, ClinGen allele CA4071283.
Genomic context (GRCh38, chr6:158,143,083, plus strand): 5'-AAAAATATTTACTGAATGAATACATGAACTAACCTTCTGAGCAGCTAGACTCTGACTGCT[T>C]TCACTAAGAGCCAAAGATGTAAAATACTGGATACACTCATCTAGCTCTGTTTGAGGTAAG-3'
Protein context (NP_116250.3, residues 227-247): IQYFTSLALS[Glu237=]SSQSLAAQKG

ClinVar aggregate classification (germline): Likely benign. Review status: criteria provided, multiple submitters, no conflicts (2 of 4 stars). 3 submissions from 3 submitters: Likely benign (3). Last evaluated 2023-07-26.

Conditions:
3-methylglutaconic aciduria with deafness, encephalopathy, and Leigh-like syndrome (MEGDEL). Also called: 3-METHYLGLUTACONIC ACIDURIA, TYPE VI; SERAC1 Deficiency; MEGDEL syndrome. Identifiers: Orphanet 352328, MedGen C4040739, MONDO:0013875, OMIM 614739.

Allele frequency attached by ClinVar (database versions not stated): gnomAD exomes 0.00005 and 0.00006; ExAC 0.00007; ESP Exome Variant Server 0.00008; TOPMed 0.00009; gnomAD 0.00011; 1000 Genomes Project 0.00040; 1000 Genomes Project 30x 0.00047.

Submissions (3):

Labcorp Genetics (formerly Invitae), Labcorp
Classification: Likely benign for 3-methylglutaconic aciduria with deafness, encephalopathy, and Leigh-like syndrome. Last evaluated: 2023-07-26. Review status: criteria provided, single submitter. Criteria: Invitae Variant Classification Sherloc (09022015). Collection method: clinical testing. Allele origin: germline.

Blueprint Genetics
Classification: Likely benign. Last evaluated: 2022-01-14. Review status: criteria provided, single submitter. Criteria: ACMG Guidelines, 2015. Collection method: clinical testing. Allele origin: germline.

GeneDx
Classification: Likely benign. Last evaluated: 2017-06-14. Review status: criteria provided, single submitter. Criteria: GeneDx Variant Classification (06012015). Collection method: clinical testing. Allele origin: germline. Affected: yes.
Comment: This variant is considered likely benign or benign based on one or more of the following criteria: it is a conservative change, it occurs at a poorly conserved position in the protein, it is predicted to be benign by multiple in silico algorithms, and/or has population frequency not consistent with disease.